The following is an entry in ClinVar:

NM_007294.4(BRCA1):c.3421C>T (p.His1141Tyr)

Genes: BRCA1 (BRCA1 DNA repair associated; minus strand), LOC126862571 (BRD4-independent group 4 enhancer GRCh37_chr17:41243136-41244335; plus strand). Cytogenetic location: 17q21.31.
Variant type: single nucleotide variant.
Coding change: c.3421C>T on transcript NM_007294.4 (MANE Select); coding-DNA position 3421, C replaced by T.
Protein change: p.His1141Tyr; replaces histidine 1141 with tyrosine.
Molecular consequence: missense variant. On other transcripts: intron variant (135).
Genome position (GRCh38, 1-based): chr17:43,092,110, G>A on the plus strand (C>T on the coding strand, the complement: BRCA1 is on the minus strand). VCF-style: chr17-43092110-G-A. GRCh37 (hg19) VCF-style: chr17-41244127-G-A.
Other names: c.3280C>T, p.His1094Tyr (NM_001407696.1, NM_001407697.1, NM_001407698.1 and 29 more transcripts); c.785-1078C>T (NM_001407985.1, NM_001408401.1, NM_001408396.1 and 13 more transcripts); c.578-1078C>T (NM_001408480.1, NM_001408481.1, NM_001408492.1 and 9 more transcripts); c.779-1078C>T (NM_001408408.1); c.662-1078C>T (NM_001408446.1, NM_001408435.1, NM_001408448.1 and 6 more transcripts); c.548-1078C>T (NM_001408494.1); c.3208C>T, p.His1070Tyr (NM_001407571.1, NM_001407853.1, NM_001407894.1 and 9 more transcripts); c.3421C>T, p.His1141Tyr (NM_001407581.1, NM_001407582.1, NM_001407583.1 and 30 more transcripts); and 41 more; short protein forms H1141Y, H1094Y, H1014Y, H1029Y, H1052Y, H1070Y, H1074Y, H1100Y.
Identifiers: ClinVar variation 441495 (VCV000441495.10), dbSNP rs1555587727, ClinGen allele CA10595137.

ClinVar aggregate classification (germline): Conflicting classifications of pathogenicity. Review status: criteria provided, conflicting classifications (1 of 4 stars). 3 submissions from 3 submitters: Uncertain significance (2); Likely benign (1). Last evaluated 2024-03-13.

Conditions:
Hereditary cancer-predisposing syndrome. Also called: Hereditary Cancer Syndrome; Hereditary neoplastic syndrome; Neoplastic Syndromes, Hereditary; Tumor predisposition. Identifiers: Orphanet 140162, MedGen C0027672, MeSH D009386, MONDO:0015356.

Submissions (3):

Ambry Genetics
Classification: Uncertain significance for Hereditary cancer-predisposing syndrome. Last evaluated: 2024-03-13. Review status: criteria provided, single submitter. Criteria: Ambry Variant Classification Scheme 2023. Collection method: clinical testing. Allele origin: germline.
Comment: The p.H1141Y variant (also known as c.3421C>T), located in coding exon 9 of the BRCA1 gene, results from a C to T substitution at nucleotide position 3421. The histidine at codon 1141 is replaced by tyrosine, an amino acid with similar properties. This amino acid position is poorly conserved in available vertebrate species. In addition, this alteration is predicted to be tolerated by in silico analysis. Since supporting evidence is limited at this time, the clinical significance of this alteration remains unclear.

Color Diagnostics, LLC DBA Color Health
Classification: Uncertain significance for Hereditary cancer-predisposing syndrome. Last evaluated: 2023-06-20. Review status: criteria provided, single submitter. Criteria: ACMG Guidelines, 2015. Collection method: clinical testing. Allele origin: germline.
Comment: This missense variant replaces histidine with tyrosine at codon 1141 of the BRCA1 protein. Computational prediction suggests that this variant may not impact protein structure and function (internally defined REVEL score threshold <= 0.5, PMID: 27666373). To our knowledge, functional studies have not been reported for this variant. This variant has not been reported in individuals affected with BRCA1-related disorders in the literature. This variant has not been identified in the general population by the Genome Aggregation Database (gnomAD). The available evidence is insufficient to determine the role of this variant in disease conclusively. Therefore, this variant is classified as a Variant of Uncertain Significance.

University of Washington Department of Laboratory Medicine, University of Washington
Classification: Likely benign for Hereditary cancer-predisposing syndrome. Last evaluated: 2023-03-23. Review status: criteria provided, single submitter. Criteria: Dines et al. (Genet Med. 2020). Collection method: curation. Allele origin: germline.
Comment: Missense variant in a coldspot region where missense variants are very unlikely to be pathogenic (PMID:31911673).

BRCA1 coldspot (exon 11 using historical exon numbering). Reclassification based on statistical prior probability